The following is an entry in ClinVar:

ClinVar aggregate classification (germline): Likely benign (1 of 4 stars; one submission).

Allele frequency attached by ClinVar (database versions not stated): 1000 Genomes Project 30x 0.00016; 1000 Genomes Project 0.00020; gnomAD 0.00084; TOPMed 0.00100; gnomAD exomes 0.00118.
gnomAD v4.1: 409 of 399,052 alleles (0.1%); highest among the groups gnomAD compares: Non-Finnish European, 0.16%; no homozygotes.

Submission:

CeGaT Center for Human Genetics Tuebingen
Classification: Likely benign. Last evaluated: 2026-07-01. Review status: criteria provided, single submitter. Criteria: CeGaT Center For Human Genetics Tuebingen Variant Classification Criteria Version 2. Collection method: clinical testing. Allele origin: germline. Affected: yes. Observed: 9 variant alleles.
Comment: SLC12A5: BP4

NM_020708.5(SLC12A5):c.*1040C>T

Gene: SLC12A5 (solute carrier family 12 member 5; plus strand). Cytogenetic location: 20q13.12.
Variant type: single nucleotide variant.
Coding change: c.*1040C>T on transcript NM_020708.5 (MANE Select); 1040 bases downstream of the stop codon, C replaced by T.
Molecular consequence: 3 prime UTR variant.
Genome position (GRCh38, 1-based): chr20:46,058,645, C>T. VCF-style: chr20-46058645-C-T. GRCh37 (hg19) VCF-style: chr20-44687284-C-T.
Other names: c.*1040C>T (NM_001134771.2).
Identifiers: ClinVar variation 2571137 (VCV002571137.27), dbSNP rs548402869, ClinGen allele CA315646537.